The following is an entry in ClinVar:

ClinVar aggregate classification (germline): Likely benign. Review status: criteria provided, single submitter (1 of 4 stars). 2 submissions from 2 submitters: Likely benign (1). 1 of the submissions does not count toward it. Last evaluated 2025-11-24.

Conditions:
Hereditary spastic paraplegia 3A (SPG3A). Also called: SPASTIC PARAPLEGIA 3, AUTOSOMAL DOMINANT; FAMILIAL SPASTIC PARAPLEGIA, AUTOSOMAL DOMINANT, 1; SPG3; STRUMPELL DISEASE; Spastic Paraplegia 3A; Spastic paraplegia 3A, autosomal dominant. Identifiers: Orphanet 100984, MedGen C2931355, MONDO:0008437, OMIM 182600.
ATL1-related disorder. Also called: ATL1-related condition.

Allele frequency attached by ClinVar (database versions not stated): gnomAD exomes 0.00001 and 0.00003; ExAC 0.00003; gnomAD 0.00003; TOPMed 0.00003.
gnomAD v4.1: 43 of 1,613,886 alleles (0.0027%); highest among the groups gnomAD compares: Non-Finnish European, 0.0033%; no homozygotes.

Submissions (2):

Labcorp Genetics (formerly Invitae), Labcorp
Classification: Likely benign for Hereditary spastic paraplegia 3A. Last evaluated: 2025-11-24. Review status: criteria provided, single submitter. Criteria: Invitae Variant Classification Sherloc (09022015). Collection method: clinical testing. Allele origin: germline.

PreventionGenetics, part of Exact Sciences
Classification: Likely benign for ATL1-related condition. Last evaluated: 2019-06-19. Review status: no assertion criteria provided. Collection method: clinical testing. Allele origin: germline. Not counted in ClinVar's aggregate classification.
Comment: This variant is classified as likely benign based on ACMG/AMP sequence variant interpretation guidelines (Richards et al. 2015 PMID: 25741868, with internal and published modifications).

NM_015915.5(ATL1):c.1542G>A (p.Leu514=)

Gene: ATL1 (atlastin GTPase 1; plus strand). Cytogenetic location: 14q22.1.
Variant type: single nucleotide variant.
Coding change: c.1542G>A on transcript NM_015915.5 (MANE Select); coding-DNA position 1542, G replaced by A.
Protein change: p.Leu514=; no amino-acid change (leucine 514 retained).
Molecular consequence: synonymous variant.
Genome position (GRCh38, 1-based): chr14:50,628,453, G>A. VCF-style: chr14-50628453-G-A. GRCh37 (hg19) VCF-style: chr14-51095171-G-A.
Other names: c.1542G>A (NM_015915.4); c.1542G>A, p.Leu514= (NM_001127713.1, NM_181598.4).
Identifiers: ClinVar variation 1107846 (VCV001107846.11), dbSNP rs765171869, ClinGen allele CA7180495.